The following is an entry in ClinVar:

NM_004667.6(HERC2):c.12002C>T (p.Thr4001Met)

Gene: HERC2 (HECT and RLD domain containing E3 ubiquitin protein ligase 2; minus strand). Cytogenetic location: 15q13.1.
Variant type: single nucleotide variant.
Coding change: c.12002C>T on transcript NM_004667.6 (MANE Select); coding-DNA position 12002, C replaced by T.
Protein change: p.Thr4001Met; replaces threonine 4001 with methionine.
Molecular consequence: missense variant.
Genome position (GRCh38, 1-based): chr15:28,141,445, G>A on the plus strand (C>T on the coding strand, the complement: HERC2 is on the minus strand). VCF-style: chr15-28141445-G-A. GRCh37 (hg19) VCF-style: chr15-28386591-G-A.
Other names: c.12002C>T (NM_004667.4); short protein forms T4001M.
Identifiers: ClinVar variation 1703455 (VCV001703455.4), dbSNP rs372578918, ClinGen allele CA7440418.

ClinVar aggregate classification (germline): Uncertain significance. Review status: criteria provided, multiple submitters, no conflicts (2 of 4 stars). 2 submissions from 2 submitters: Uncertain significance (2). Last evaluated 2025-04-24.

Conditions:
Inborn genetic diseases. Identifiers: MedGen C0950123, MeSH D030342.

Allele frequency attached by ClinVar (database versions not stated): gnomAD 0.00001; gnomAD exomes 0.00005; ESP Exome Variant Server 0.00008; 1000 Genomes Project 30x 0.00016; 1000 Genomes Project 0.00020; ExAC 0.00002.
gnomAD v4.1: 75 of 1,614,022 alleles (0.0046%); highest among the groups gnomAD compares: East Asian, 0.0089%; no homozygotes.

Submissions (2):

Ambry Genetics
Classification: Uncertain significance for Inborn genetic diseases. Last evaluated: 2025-04-24. Review status: criteria provided, single submitter. Criteria: Ambry Variant Classification Scheme 2023. Collection method: clinical testing. Allele origin: germline.

GeneDx
Classification: Uncertain significance. Last evaluated: 2024-05-03. Review status: criteria provided, single submitter. Criteria: GeneDx Variant Classification Process June 2021. Collection method: clinical testing. Allele origin: germline.
Comment: In silico analysis supports that this missense variant has a deleterious effect on protein structure/function; Has not been previously published as pathogenic or benign to our knowledge